The following is an entry in ClinVar:

NM_000368.5(TSC1):c.1640C>T (p.Thr547Ile)

Gene: TSC1 (TSC complex subunit 1; minus strand). Cytogenetic location: 9q34.13.
Variant type: single nucleotide variant.
Coding change: c.1640C>T on transcript NM_000368.5 (MANE Select); coding-DNA position 1640, C replaced by T.
Protein change: p.Thr547Ile; replaces threonine 547 with isoleucine.
Molecular consequence: missense variant.
Genome position (GRCh38, 1-based): chr9:132,905,938, G>A on the plus strand (C>T on the coding strand, the complement: TSC1 is on the minus strand). VCF-style: chr9-132905938-G-A. GRCh37 (hg19) VCF-style: chr9-135781325-G-A.
Other names: c.1274C>T, p.Thr425Ile (NM_001406625.1, NM_001406620.1, NM_001406621.1 and 2 more transcripts); c.689C>T, p.Thr230Ile (NM_001406626.1); c.686C>T, p.Thr229Ile (NM_001406627.1, NM_001406628.1); c.587C>T, p.Thr196Ile (NM_001406629.1, NM_001406630.1); c.1637C>T, p.Thr546Ile (NM_001162426.2, NM_001406597.1, NM_001406598.1 and 6 more transcripts); c.1487C>T, p.Thr496Ile (NM_001162427.2, NM_001406610.1); c.1277C>T, p.Thr426Ile (NM_001362177.2, NM_001406616.1, NM_001406617.1 and 5 more transcripts); c.1640C>T, p.Thr547Ile (NM_001406592.1, NM_001406593.1, NM_001406594.1 and 7 more transcripts); and 1 more; short protein forms T229I, T495I, T196I, T230I, T425I, T496I, T547I, T426I.
Identifiers: ClinVar variation 1777032 (VCV001777032.7), dbSNP rs769040084, ClinGen allele CA029286.

ClinVar aggregate classification (germline): Conflicting classifications of pathogenicity. Review status: criteria provided, conflicting classifications (1 of 4 stars). 3 submissions from 3 submitters: Uncertain significance (2); Likely benign (1). Last evaluated 2025-07-27.

Conditions:
Hereditary cancer-predisposing syndrome. Also called: Tumor predisposition; Neoplastic Syndromes, Hereditary; Hereditary Cancer Syndrome; Hereditary neoplastic syndrome. Identifiers: Orphanet 140162, MedGen C0027672, MeSH D009386, MONDO:0015356.
Tuberous sclerosis syndrome (TSC). Also called: Tuberous Sclerosis Complex; Tuberous sclerosis. Identifiers: Orphanet 805, MedGen C0041341, MONDO:0001734.
Tuberous sclerosis 1 (TSC1). Identifiers: Orphanet 805, MedGen C1854465, MONDO:0008612, OMIM 191100.

Allele frequency attached by ClinVar (database versions not stated): gnomAD exomes 0.00001; ExAC 0.00002.
gnomAD v4.1: 8 of 1,613,880 alleles (0.0005%); highest among the groups gnomAD compares: South Asian, 0.0022%; no homozygotes.

Submissions (3):

Labcorp Genetics (formerly Invitae), Labcorp
Classification: Likely benign for Tuberous sclerosis 1. Last evaluated: 2025-07-27. Review status: criteria provided, single submitter. Criteria: Invitae Variant Classification Sherloc (09022015). Collection method: clinical testing. Allele origin: germline.

Color Diagnostics, LLC DBA Color Health
Classification: Uncertain significance for Tuberous sclerosis syndrome. Last evaluated: 2025-06-30. Review status: criteria provided, single submitter. Criteria: ACMG Guidelines, 2015. Collection method: clinical testing. Allele origin: germline.
Comment: This missense variant replaces threonine with isoleucine at codon 547 of the TSC1 protein. Computational prediction suggests that this variant may not impact protein structure and function. To our knowledge, functional studies have not been reported for this variant. This variant has not been reported in individuals affected with TSC1-related disorders in the literature. This variant has been identified in 3/251242 chromosomes in the general population by the Genome Aggregation Database (gnomAD). The available evidence is insufficient to determine the role of this variant in disease conclusively. Therefore, this variant is classified as a Variant of Uncertain Significance.

Ambry Genetics
Classification: Uncertain significance for Hereditary cancer-predisposing syndrome. Last evaluated: 2025-03-31. Review status: criteria provided, single submitter. Criteria: Ambry Variant Classification Scheme 2023. Collection method: clinical testing. Allele origin: germline.
Comment: The p.T547I variant (also known as c.1640C>T), located in coding exon 13 of the TSC1 gene, results from a C to T substitution at nucleotide position 1640. The threonine at codon 547 is replaced by isoleucine, an amino acid with similar properties. This amino acid position is well conserved in available vertebrate species. In addition, the in silico prediction for this alteration is inconclusive. Based on the available evidence, the clinical significance of this variant remains unclear.